The following is an entry in ClinVar:

ClinVar aggregate classification (germline): Uncertain significance. Review status: criteria provided, multiple submitters, no conflicts (2 of 4 stars). 2 submissions from 2 submitters: Uncertain significance (2). Last evaluated 2023-12-07.

Allele frequency attached by ClinVar (database versions not stated): gnomAD exomes 0.00005; ExAC 0.00012; ESP Exome Variant Server 0.00031; TOPMed 0.00031; gnomAD 0.00042.
gnomAD v4.1: 130 of 1,613,768 alleles (0.0081%); highest among the groups gnomAD compares: African/African-American, 0.16%; no homozygotes.

Submissions (2):

Labcorp Genetics (formerly Invitae), Labcorp
Classification: Uncertain significance. Last evaluated: 2023-12-07. Review status: criteria provided, single submitter. Criteria: Invitae Variant Classification Sherloc (09022015). Collection method: clinical testing. Allele origin: germline.
Comment: This sequence change replaces serine, which is neutral and polar, with phenylalanine, which is neutral and non-polar, at codon 283 of the GLYCTK protein (p.Ser283Phe). This variant is present in population databases (rs142600716, gnomAD 0.2%). This variant has not been reported in the literature in individuals affected with GLYCTK-related conditions. ClinVar contains an entry for this variant (Variation ID: 2045591). Advanced modeling of protein sequence and biophysical properties (such as structural, functional, and spatial information, amino acid conservation, physicochemical variation, residue mobility, and thermodynamic stability) has been performed at Invitae for this missense variant, however the output from this modeling did not meet the statistical confidence thresholds required to predict the impact of this variant on GLYCTK protein function. In summary, the available evidence is currently insufficient to determine the role of this variant in disease. Therefore, it has been classified as a Variant of Uncertain Significance.

Ambry Genetics
Classification: Uncertain significance. Last evaluated: 2022-04-07. Review status: criteria provided, single submitter. Criteria: Ambry Variant Classification Scheme 2023. Collection method: clinical testing. Allele origin: germline.

NM_145262.4(GLYCTK):c.848C>T (p.Ser283Phe)

Gene: GLYCTK (glycerate kinase; plus strand). Cytogenetic location: 3p21.2.
Variant type: single nucleotide variant.
Coding change: c.848C>T on transcript NM_145262.4 (MANE Select); coding-DNA position 848, C replaced by T.
Protein change: p.Ser283Phe; replaces serine 283 with phenylalanine.
Molecular consequence: missense variant. On other transcripts: synonymous variant (1), non-coding transcript variant (3).
Genome position (GRCh38, 1-based): chr3:52,292,402, C>T. VCF-style: chr3-52292402-C-T. GRCh37 (hg19) VCF-style: chr3-52326418-C-T.
Other names: c.672C>T, p.Phe224= (NM_001144951.2); short protein forms S283F.
Identifiers: ClinVar variation 2045591 (VCV002045591.3), dbSNP rs142600716, ClinGen allele CA2432200.